The following is an entry in ClinVar:

ClinVar aggregate classification (germline): Uncertain significance. Review status: criteria provided, multiple submitters, no conflicts (2 of 4 stars). 2 submissions from 2 submitters: Uncertain significance (2). Last evaluated 2024-12-15.

gnomAD v4.1: 4 of 1,613,216 alleles (0.00025%); highest among the groups gnomAD compares: Non-Finnish European, 0.00034%; no homozygotes.

Submissions (2):

Labcorp Genetics (formerly Invitae), Labcorp
Classification: Uncertain significance. Last evaluated: 2024-12-15. Review status: criteria provided, single submitter. Criteria: Invitae Variant Classification Sherloc (09022015). Collection method: clinical testing. Allele origin: germline.
Comment: This sequence change replaces lysine, which is basic and polar, with asparagine, which is neutral and polar, at codon 245 of the RGR protein (p.Lys245Asn). This variant is present in population databases (no rsID available, gnomAD 0.007%). This variant has not been reported in the literature in individuals affected with RGR-related conditions. Experimental studies and prediction algorithms are not available or were not evaluated, and the functional significance of this variant is currently unknown. In summary, the available evidence is currently insufficient to determine the role of this variant in disease. Therefore, it has been classified as a Variant of Uncertain Significance.

Blueprint Genetics
Classification: Uncertain significance. Last evaluated: 2019-01-17. Review status: criteria provided, single submitter. Criteria: ACMG Guidelines, 2015. Collection method: clinical testing. Allele origin: germline.

NM_001012720.2(RGR):c.735A>T (p.Lys245Asn)

Gene: RGR (retinal G protein coupled receptor; plus strand). Cytogenetic location: 10q23.1.
Variant type: single nucleotide variant.
Coding change: c.735A>T on transcript NM_001012720.2 (MANE Select); coding-DNA position 735, A replaced by T.
Protein change: p.Lys245Asn; replaces lysine 245 with asparagine.
Molecular consequence: missense variant. On other transcripts: intron variant (1).
Genome position (GRCh38, 1-based): chr10:84,257,997, A>T. VCF-style: chr10-84257997-A-T. GRCh37 (hg19) VCF-style: chr10-86017753-A-T.
Other names: c.747A>T, p.Lys249Asn (NM_002921.4); c.631-511A>T (NM_001012722.2); short protein forms K245N, K249N.
Identifiers: ClinVar variation 3621160 (VCV003621160.3).